The following is an entry in ClinVar:

ClinVar aggregate classification (germline): Uncertain significance (1 of 4 stars; one submission).

Conditions:
Joubert syndrome. Also called: Familial aplasia of the vermis; CEREBELLOPARENCHYMAL DISORDER IV; JOUBERT-BOLTSHAUSER SYNDROME. Identifiers: Orphanet 475, MedGen C5979921, MONDO:0018772.

Allele frequency attached by ClinVar (database versions not stated): gnomAD exomes below 0.00001; ExAC 0.00001; ESP Exome Variant Server 0.00008.
gnomAD v4.1: 5 of 1,610,562 alleles (0.00031%); highest among the groups gnomAD compares: Non-Finnish European, 0.00034%; no homozygotes.

Submission:

Labcorp Genetics (formerly Invitae), Labcorp
Classification: Uncertain significance for Joubert syndrome. Last evaluated: 2021-08-30. Review status: criteria provided, single submitter. Criteria: Invitae Variant Classification Sherloc (09022015). Collection method: clinical testing. Allele origin: germline.
Comment: This sequence change replaces isoleucine with valine at codon 893 of the AHI1 protein (p.Ile893Val). The isoleucine residue is weakly conserved and there is a small physicochemical difference between isoleucine and valine. This variant is present in population databases (rs372710626, ExAC 0.002%). This variant has not been reported in the literature in individuals affected with AHI1-related conditions. Advanced modeling of protein sequence and biophysical properties (such as structural, functional, and spatial information, amino acid conservation, physicochemical variation, residue mobility, and thermodynamic stability) performed at Invitae indicates that this missense variant is not expected to disrupt AHI1 protein function. In summary, the available evidence is currently insufficient to determine the role of this variant in disease. Therefore, it has been classified as a Variant of Uncertain Significance.

NM_001134831.2(AHI1):c.2677A>G (p.Ile893Val)

Gene: AHI1 (Abelson helper integration site 1; minus strand). Cytogenetic location: 6q23.3.
Variant type: single nucleotide variant.
Coding change: c.2677A>G on transcript NM_001134831.2 (MANE Select); coding-DNA position 2677, A replaced by G.
Protein change: p.Ile893Val; replaces isoleucine 893 with valine.
Molecular consequence: missense variant.
Genome position (GRCh38, 1-based): chr6:135,427,254, T>C on the plus strand (A>G on the coding strand, the complement: AHI1 is on the minus strand). VCF-style: chr6-135427254-T-C. GRCh37 (hg19) VCF-style: chr6-135748392-T-C.
Other names: c.2677A>G, p.Ile893Val (NM_001134830.2, NM_001134832.2, NM_001350503.2 and 2 more transcripts); short protein forms I893V.
Identifiers: ClinVar variation 1059443 (VCV001059443.6), dbSNP rs372710626, ClinGen allele CA4012300.
Genomic context (GRCh38, chr6:135,427,254, plus strand): 5'-TTGGCTCATTTTGCCCAAATGCACAGAATGCAACCATATTTTCAAATGGATGATAAGAAA[T>C]GTCTCGAATGGGTGACTTGAATGGCAAGTCAGAATACATGGCTACTTGTTCTCCTAAATA-3'
Protein context (NP_001128303.1, residues 883-903): DLPFKSPIRD[Ile893Val]SYHPFENMVA